The following is an entry in ClinVar:

ClinVar aggregate classification (germline): Likely benign. Review status: criteria provided, single submitter (1 of 4 stars). 2 submissions from 2 submitters: Likely benign (1). 1 of the submissions does not count toward it. Last evaluated 2024-01-24.

Conditions:
FRAS1-related disorder. Also called: FRAS1-related condition.

Allele frequency attached by ClinVar (database versions not stated): gnomAD exomes below 0.00001 and 0.00001; TOPMed 0.00001.
gnomAD v4.1: 10 of 1,613,168 alleles (0.00062%); highest among the groups gnomAD compares: Non-Finnish European, 0.00085%; no homozygotes.

Submissions (2):

Labcorp Genetics (formerly Invitae), Labcorp
Classification: Likely benign. Last evaluated: 2024-01-24. Review status: criteria provided, single submitter. Criteria: Invitae Variant Classification Sherloc (09022015). Collection method: clinical testing. Allele origin: germline.

PreventionGenetics, part of Exact Sciences
Classification: Likely benign for FRAS1-related condition. Last evaluated: 2020-07-15. Review status: no assertion criteria provided. Collection method: clinical testing. Allele origin: germline. Not counted in ClinVar's aggregate classification.
Comment: This variant is classified as likely benign based on ACMG/AMP sequence variant interpretation guidelines (Richards et al. 2015 PMID: 25741868, with internal and published modifications).

NM_025074.7(FRAS1):c.126G>A (p.Lys42=)

Gene: FRAS1 (Fraser extracellular matrix complex subunit 1; plus strand). Cytogenetic location: 4q21.21.
Variant type: single nucleotide variant.
Coding change: c.126G>A on transcript NM_025074.7 (MANE Select); coding-DNA position 126, G replaced by A.
Protein change: p.Lys42=; no amino-acid change (lysine 42 retained).
Molecular consequence: synonymous variant.
Genome position (GRCh38, 1-based): chr4:78,237,527, G>A. VCF-style: chr4-78237527-G-A. GRCh37 (hg19) VCF-style: chr4-79158681-G-A.
Other names: c.126G>A, p.Lys42= (NM_001166133.2); c.126G>A (NM_025074.6).
Identifiers: ClinVar variation 1592395 (VCV001592395.10), dbSNP rs1351058543, ClinGen allele CA439974860.
Genomic context (GRCh38, chr4:78,237,527, plus strand): 5'-TTGACTGATCAGTTTTTAAATCAGAGCTTATGCCTCTTTACAGGATGCCACAATTTGGAA[G>A]CCCGATTCATGCCAGAGCTGCCGTTGCCATGGTGATATTGTTATCTGCAAACCTGCTGTT-3'
Protein context (NP_079350.5, residues 32-52): DSLLADATIW[Lys42=]PDSCQSCRCH